The following is an entry in ClinVar:

NM_024824.5(ZC3H14):c.51G>A (p.Gly17=)

Gene: ZC3H14 (zinc finger CCCH-type containing 14; plus strand). Cytogenetic location: 14q31.3.
Variant type: single nucleotide variant.
Coding change: c.51G>A on transcript NM_024824.5 (MANE Select); coding-DNA position 51, G replaced by A.
Protein change: p.Gly17=; no amino-acid change (glycine 17 retained).
Molecular consequence: synonymous variant. On other transcripts: 5 prime UTR variant (14), non-coding transcript variant (1).
Genome position (GRCh38, 1-based): chr14:88,563,665, G>A. VCF-style: chr14-88563665-G-A. GRCh37 (hg19) VCF-style: chr14-89030009-G-A.
Other names: c.51G>A, p.Gly17= (NM_001160103.2, NM_001160104.2, NM_001326295.2 and 9 more transcripts); c.-233G>A (NM_001326297.2, NM_001326301.2, NM_001326303.2 and 1 more transcripts); c.-300G>A (NM_001326300.2, NM_001326302.2, NM_001326304.2 and 5 more transcripts); c.-52G>A (NM_001326316.2, NM_207661.3).
Identifiers: ClinVar variation 3045198 (VCV003045198.2), dbSNP rs774260587, ClinGen allele CA7300082.

ClinVar aggregate classification (germline): Likely benign (0 of 4 stars; one submission).

Conditions:
ZC3H14-related disorder. Also called: ZC3H14-related condition.

Allele frequency attached by ClinVar (database versions not stated): gnomAD 0.00001; gnomAD exomes 0.00001; ExAC 0.00002; TOPMed 0.00002.
gnomAD v4.1: 24 of 1,614,098 alleles (0.0015%); highest among the groups gnomAD compares: Admixed American, 0.013%; no homozygotes.

Submission:

PreventionGenetics, part of Exact Sciences
Classification: Likely benign for ZC3H14-related condition. Last evaluated: 2019-11-05. Review status: no assertion criteria provided. Collection method: clinical testing. Allele origin: germline.
Comment: This variant is classified as likely benign based on ACMG/AMP sequence variant interpretation guidelines (Richards et al. 2015 PMID: 25741868, with internal and published modifications).